The following is an entry in ClinVar:

NM_003823.4(TNFRSF6B):c.889C>T (p.Leu297Phe)

Genes: RTEL1-TNFRSF6B (RTEL1-TNFRSF6B readthrough (NMD candidate); plus strand), TNFRSF6B (TNF receptor superfamily member 6b; plus strand). Cytogenetic location: 20q13.33.
Variant type: single nucleotide variant.
Coding change: c.889C>T on transcript NM_003823.4 (MANE Select); coding-DNA position 889, C replaced by T.
Protein change: p.Leu297Phe; replaces leucine 297 with phenylalanine.
Molecular consequence: missense variant. On other transcripts: non-coding transcript variant (1).
Genome position (GRCh38, 1-based): chr20:63,698,549, C>T. VCF-style: chr20-63698549-C-T. GRCh37 (hg19) VCF-style: chr20-62329902-C-T.
Other names: c.889C>T (NM_003823.3); short protein forms L297F.
Identifiers: ClinVar variation 1349318 (VCV001349318.9), dbSNP rs764594740, ClinGen allele CA9966662.
Genomic context (GRCh38, chr20:63,698,549, plus strand): 5'-CTGCAGGCGCTGCGCGTGGCCAGGATGCCCGGGCTGGAGCGGAGCGTCCGTGAGCGCTTC[C>T]TCCCTGTGCACTGATCCTGGCCCCCTCTTATTTATTCTACATCCTTGGCACCCCACTTGC-3'
Protein context (NP_003814.1, residues 287-300): GLERSVRERF[Leu297Phe]PVH

ClinVar aggregate classification (germline): Uncertain significance. Review status: criteria provided, multiple submitters, no conflicts (2 of 4 stars). 2 submissions from 2 submitters: Uncertain significance (2). Last evaluated 2025-03-27.

Allele frequency attached by ClinVar (database versions not stated): ExAC 0.00005; gnomAD 0.00006; gnomAD exomes 0.00006; TOPMed 0.00006.
gnomAD v4.1: 188 of 1,533,922 alleles (0.012%); highest among the groups gnomAD compares: Non-Finnish European, 0.016%; no homozygotes.

Submissions (2):

Ambry Genetics
Classification: Uncertain significance. Last evaluated: 2025-03-27. Review status: criteria provided, single submitter. Criteria: Ambry Variant Classification Scheme 2023. Collection method: clinical testing. Allele origin: germline.

Labcorp Genetics (formerly Invitae), Labcorp
Classification: Uncertain significance. Last evaluated: 2024-11-27. Review status: criteria provided, single submitter. Criteria: Invitae Variant Classification Sherloc (09022015). Collection method: clinical testing. Allele origin: germline.
Comment: This sequence change replaces leucine, which is neutral and non-polar, with phenylalanine, which is neutral and non-polar, at codon 297 of the TNFRSF6B protein (p.Leu297Phe). This variant is present in population databases (rs764594740, gnomAD 0.01%). This variant has not been reported in the literature in individuals affected with TNFRSF6B-related conditions. ClinVar contains an entry for this variant (Variation ID: 1349318). An algorithm developed to predict the effect of missense changes on protein structure and function outputs the following: PolyPhen-2: "Benign". The phenylalanine amino acid residue is found in multiple mammalian species, which suggests that this missense change does not adversely affect protein function. In summary, the available evidence is currently insufficient to determine the role of this variant in disease. Therefore, it has been classified as a Variant of Uncertain Significance.